The following is an entry in ClinVar:

NM_015506.3(MMACHC):c.366T>A (p.His122Gln)

Gene: MMACHC (metabolism of cobalamin associated C; plus strand). Cytogenetic location: 1p34.1.
Variant type: single nucleotide variant.
Coding change: c.366T>A on transcript NM_015506.3 (MANE Select); coding-DNA position 366, T replaced by A.
Protein change: p.His122Gln; replaces histidine 122 with glutamine.
Molecular consequence: missense variant.
Genome position (GRCh38, 1-based): chr1:45,508,301, T>A. VCF-style: chr1-45508301-T-A. GRCh37 (hg19) VCF-style: chr1-45973973-T-A.
Other names: c.195T>A, p.His65Gln (NM_001330540.2); short protein forms H122Q, H65Q.
Identifiers: ClinVar variation 1518038 (VCV001518038.8), dbSNP rs1643666556, ClinGen allele CA340132266.

ClinVar aggregate classification (germline): Likely pathogenic (1 of 4 stars; one submission).

Conditions:
Cobalamin C disease. Also called: Cobalamin-C methylmalonic acidemia and homocystinuria; Methylmalonic acidemia and homocystinuria cblC type; methylmalonic aciduria and homocystinuria type cblC; Methylmalonic aciduria with homocystinuria cblC type; Methylmalonic aciduria and homocystinuria, Vitamin B12-responsive; Vitamin B12 metabolic defect with combined deficiency of methylmalonyl-CoA mutase and homocysteine:methyltetrahydrofolate methyltransferase. Identifiers: Orphanet 26, Orphanet 79282, MedGen C1848561, MONDO:0010184, OMIM 277400.

Submission:

Labcorp Genetics (formerly Invitae), Labcorp
Classification: Likely pathogenic for Cobalamin C disease. Last evaluated: 2023-06-02. Review status: criteria provided, single submitter. Criteria: Invitae Variant Classification Sherloc (09022015). Collection method: clinical testing. Allele origin: germline.
Comment: This variant disrupts the p.His122 amino acid residue in MMACHC. Other variant(s) that disrupt this residue have been determined to be pathogenic (PMID: 28454995; Invitae). This suggests that this residue is clinically significant, and that variants that disrupt this residue are likely to be disease-causing. In summary, the currently available evidence indicates that the variant is pathogenic, but additional data are needed to prove that conclusively. Therefore, this variant has been classified as Likely Pathogenic. Advanced modeling of protein sequence and biophysical properties (such as structural, functional, and spatial information, amino acid conservation, physicochemical variation, residue mobility, and thermodynamic stability) has been performed at Invitae for this missense variant, however the output from this modeling did not meet the statistical confidence thresholds required to predict the impact of this variant on MMACHC protein function. ClinVar contains an entry for this variant (Variation ID: 1518038). This variant has not been reported in the literature in individuals affected with MMACHC-related conditions. This variant is not present in population databases (gnomAD no frequency). This sequence change replaces histidine, which is basic and polar, with glutamine, which is neutral and polar, at codon 122 of the MMACHC protein (p.His122Gln).

Literature cited by the submitters: PubMed 28454995.